The following is an entry in ClinVar:

NM_003791.4(MBTPS1):c.1854G>A (p.Pro618=)

Gene: MBTPS1 (membrane bound transcription factor peptidase, site 1; minus strand). Cytogenetic location: 16q23.3.
Variant type: single nucleotide variant.
Coding change: c.1854G>A on transcript NM_003791.4 (MANE Select); coding-DNA position 1854, G replaced by A.
Protein change: p.Pro618=; no amino-acid change (proline 618 retained).
Molecular consequence: synonymous variant.
Genome position (GRCh38, 1-based): chr16:84,069,967, C>T on the plus strand (G>A on the coding strand, the complement: MBTPS1 is on the minus strand). VCF-style: chr16-84069967-C-T. GRCh37 (hg19) VCF-style: chr16-84103572-C-T.
Other names: c.1854G>A (NM_003791.3).
Identifiers: ClinVar variation 1645148 (VCV001645148.11), dbSNP rs144900691, ClinGen allele CA8201140.
Genomic context (GRCh38, chr16:84,069,967, plus strand): 5'-GAAATAGCCAGGTGGATAGCGGAGGTTGTGGTACTGATCCCAGAGAACTCTCTTGCTTCG[C>T]GGGGGAGTAGGAATTATCTTCACCTTAATGGGGAGCTTTACTGTTGAAGTCTGTTCTGCA-3'
Protein context (NP_003782.1, residues 608-628): PIKVKIIPTP[Pro618=]RSKRVLWDQY

ClinVar aggregate classification (germline): Likely benign. Review status: criteria provided, multiple submitters, no conflicts (2 of 4 stars). 3 submissions from 3 submitters: Likely benign (2). 1 of the submissions does not count toward it. Last evaluated 2026-01-04.

Conditions:
MBTPS1-related disorder. Also called: MBTPS1-related condition.

Allele frequency attached by ClinVar (database versions not stated): ESP Exome Variant Server 0.00069; gnomAD exomes 0.00070 and 0.00099; gnomAD 0.00079 and 0.00080; ExAC 0.00090; TOPMed 0.00107; 1000 Genomes Project 0.00040; 1000 Genomes Project 30x 0.00062.
gnomAD v4.1: 1,237 of 1,613,984 alleles (0.077%); highest among the groups gnomAD compares: Middle Eastern, 1%; 4 homozygotes.

Submissions (3):

Labcorp Genetics (formerly Invitae), Labcorp
Classification: Likely benign. Last evaluated: 2026-01-04. Review status: criteria provided, single submitter. Criteria: Invitae Variant Classification Sherloc (09022015). Collection method: clinical testing. Allele origin: germline.

Breakthrough Genomics
Classification: Likely benign. Review status: criteria provided, single submitter. Criteria: ACMG Guidelines, 2015. Collection method: not provided. Allele origin: germline. Inheritance: Autosomal recessive inheritance. Affected: yes.

PreventionGenetics, part of Exact Sciences
Classification: Likely benign for MBTPS1-related condition. Last evaluated: 2019-06-19. Review status: no assertion criteria provided. Collection method: clinical testing. Allele origin: germline. Not counted in ClinVar's aggregate classification.
Comment: This variant is classified as likely benign based on ACMG/AMP sequence variant interpretation guidelines (Richards et al. 2015 PMID: 25741868, with internal and published modifications).